The following is an entry in ClinVar:

NM_004360.5(CDH1):c.1903A>T (p.Ser635Cys)

Gene: CDH1 (cadherin 1; plus strand). Cytogenetic location: 16q22.1.
Variant type: single nucleotide variant.
Coding change: c.1903A>T on transcript NM_004360.5 (MANE Select); coding-DNA position 1903, A replaced by T.
Protein change: p.Ser635Cys; replaces serine 635 with cysteine.
Molecular consequence: missense variant. On other transcripts: 5 prime UTR variant (1).
Genome position (GRCh38, 1-based): chr16:68,822,192, A>T. VCF-style: chr16-68822192-A-T. GRCh37 (hg19) VCF-style: chr16-68856095-A-T.
Other names: c.1720A>T, p.Ser574Cys (NM_001317184.2); c.355A>T, p.Ser119Cys (NM_001317185.2); c.-63A>T (NM_001317186.2); short protein forms S119C, S574C, S635C.
Identifiers: ClinVar variation 3367739 (VCV003367739.1).

ClinVar aggregate classification (germline): Uncertain significance (1 of 4 stars; one submission).

Submission:

GeneDx
Classification: Uncertain significance. Last evaluated: 2024-01-09. Review status: criteria provided, single submitter. Criteria: GeneDx Variant Classification Process June 2021. Collection method: clinical testing. Allele origin: germline. Affected: yes.
Comment: Not observed at significant frequency in large population cohorts (gnomAD); In silico analysis supports that this missense variant has a deleterious effect on protein structure/function; Has not been previously published as pathogenic or benign to our knowledge; This variant is associated with the following publications: (PMID: 15235021, 22850631)